The following is an entry in ClinVar:

NM_000145.4(FSHR):c.1157T>C (p.Ile386Thr)

Gene: FSHR (follicle stimulating hormone receptor; minus strand). Cytogenetic location: 2p16.3.
Variant type: single nucleotide variant.
Coding change: c.1157T>C on transcript NM_000145.4 (MANE Select); coding-DNA position 1157, T replaced by C.
Protein change: p.Ile386Thr; replaces isoleucine 386 with threonine.
Molecular consequence: missense variant.
Genome position (GRCh38, 1-based): chr2:48,963,664, A>G on the plus strand (T>C on the coding strand, the complement: FSHR is on the minus strand). VCF-style: chr2-48963664-A-G. GRCh37 (hg19) VCF-style: chr2-49190803-A-G.
Other names: c.1079T>C, p.Ile360Thr (NM_181446.3); short protein forms I360T, I386T.
Identifiers: ClinVar variation 1189527 (VCV001189527.2), dbSNP rs767103311, ClinGen allele CA1653706.
Genomic context (GRCh38, chr2:48,963,664, plus strand): 5'-AAGGCCAGGTTGCACATAAGGAACCTGGGGACTGTGAGTTTATATTGGCTGGTAGTTAGG[A>G]TCACTAGCACTATGATGTTCCCAGTGATGGCCAGGATGCTGATAAACCATATCAGGACTC-3'
Protein context (NP_000136.2, residues 376-396): AITGNIIVLV[Ile386Thr]LTTSQYKLTV

ClinVar aggregate classification (germline): Uncertain significance (1 of 4 stars; one submission).

Allele frequency attached by ClinVar (database versions not stated): gnomAD exomes 0.00001; ExAC 0.00002.
gnomAD v4.1: 4 of 1,614,170 alleles (0.00025%); highest among the groups gnomAD compares: East Asian, 0.0089%; no homozygotes.

Submission:

GeneDx
Classification: Uncertain significance. Last evaluated: 2019-10-07. Review status: criteria provided, single submitter. Criteria: GeneDx Variant Classification Process June 2021. Collection method: clinical testing. Allele origin: germline. Affected: yes.
Comment: In silico analysis, which includes protein predictors and evolutionary conservation, supports a deleterious effect; Has not been previously published as pathogenic or benign to our knowledge